The following is an entry in ClinVar:

ClinVar aggregate classification (germline): Conflicting classifications of pathogenicity. Review status: criteria provided, conflicting classifications (1 of 4 stars). 6 submissions from 6 submitters: Uncertain significance (5); Likely benign (1). Last evaluated 2026-09-21.

Conditions:
Dilated cardiomyopathy 1W (CMD1W). Identifiers: Orphanet 154, MedGen C1969639, MONDO:0012667, OMIM 611407.
Hypertrophic cardiomyopathy 15. Identifiers: MedGen C2750459, MONDO:0013200, OMIM 613255.
Cardiovascular phenotype. Identifiers: MedGen CN230736.

Allele frequency attached by ClinVar (database versions not stated): gnomAD exomes 0.00002 and 0.00004; ExAC 0.00006; TOPMed 0.00002; gnomAD 0.00003 and 0.00004.
gnomAD v4.1: 27 of 1,613,910 alleles (0.0017%); highest among the groups gnomAD compares: East Asian, 0.0045%; no homozygotes.

Submissions (6):

Molecular Diagnostic Laboratory for Inherited Cardiovascular Disease, Montreal Heart Institute
Classification: Uncertain significance for Cardiovascular phenotype. Last evaluated: 2026-09-21. Review status: criteria provided, single submitter. Criteria: ACMG Guidelines, 2015. Collection method: clinical testing. Allele origin: germline. Affected: yes.
Comment: PM2

Labcorp Genetics (formerly Invitae), Labcorp
Classification: Uncertain significance for Dilated cardiomyopathy 1W. Last evaluated: 2025-05-05. Review status: criteria provided, single submitter. Criteria: Invitae Variant Classification Sherloc (09022015). Collection method: clinical testing. Allele origin: germline.
Comment: This sequence change replaces isoleucine, which is neutral and non-polar, with threonine, which is neutral and polar, at codon 504 of the VCL protein (p.Ile504Thr). This variant is present in population databases (rs745343813, gnomAD 0.02%). This variant has not been reported in the literature in individuals affected with VCL-related conditions. ClinVar contains an entry for this variant (Variation ID: 408942). An algorithm developed to predict the effect of missense changes on protein structure and function (PolyPhen-2) suggests that this variant is likely to be tolerated. In summary, the available evidence is currently insufficient to determine the role of this variant in disease. Therefore, it has been classified as a Variant of Uncertain Significance.

Blueprint Genetics
Classification: Likely benign. Last evaluated: 2024-02-13. Review status: criteria provided, single submitter. Criteria: ACMG Guidelines, 2015. Collection method: clinical testing. Allele origin: germline.

Ambry Genetics
Classification: Uncertain significance for Cardiovascular phenotype. Last evaluated: 2022-12-06. Review status: criteria provided, single submitter. Criteria: Ambry Variant Classification Scheme 2023. Collection method: clinical testing. Allele origin: germline.
Comment: The p.I504T variant (also known as c.1511T>C), located in coding exon 11 of the VCL gene, results from a T to C substitution at nucleotide position 1511. The isoleucine at codon 504 is replaced by threonine, an amino acid with similar properties. This amino acid position is conserved. In addition, this alteration is predicted to be deleterious by in silico analysis. Since supporting evidence is limited at this time, the clinical significance of this alteration remains unclear.

Fulgent Genetics
Classification: Uncertain significance for Dilated cardiomyopathy 1W; Hypertrophic cardiomyopathy 15. Last evaluated: 2021-09-08. Review status: criteria provided, single submitter. Criteria: ACMG Guidelines, 2015. Collection method: clinical testing. Allele origin: unknown.

GeneDx
Classification: Uncertain significance. Last evaluated: 2019-08-15. Review status: criteria provided, single submitter. Criteria: GeneDx Variant Classification Process June 2021. Collection method: clinical testing. Allele origin: germline. Affected: yes.
Comment: Has not been previously published as pathogenic or benign to our knowledge; Reported in ClinVar but additional evidence is not available (ClinVar Variant ID#408942; Landrum et al., 2016); In silico analysis, which includes protein predictors and evolutionary conservation, supports a deleterious effect

NM_014000.3(VCL):c.1511T>C (p.Ile504Thr)

Gene: VCL (vinculin; plus strand). Cytogenetic location: 10q22.2.
Variant type: single nucleotide variant.
Coding change: c.1511T>C on transcript NM_014000.3 (MANE Select); coding-DNA position 1511, T replaced by C.
Protein change: p.Ile504Thr; replaces isoleucine 504 with threonine.
Molecular consequence: missense variant.
Genome position (GRCh38, 1-based): chr10:74,094,429, T>C. VCF-style: chr10-74094429-T-C. GRCh37 (hg19) VCF-style: chr10-75854187-T-C.
Other names: c.1511T>C, p.Ile504Thr (NM_003373.4); short protein forms I504T.
Identifiers: ClinVar variation 408942 (VCV000408942.16), dbSNP rs745343813, ClinGen allele CA5563018.
Genomic context (GRCh38, chr10:74,094,429, plus strand): 5'-GCAGACCGGCCAAAGCAGCTGTACACCTTGAGGGCAAGATTGAGCAAGCACAGCGGTGGA[T>C]TGATAATCCCACAGTGGATGACCGTGGAGTCGGTAAGGGCAGCAGTGCACTATAACCTCA-3'
Protein context (NP_054706.1, residues 494-514): EGKIEQAQRW[Ile504Thr]DNPTVDDRGV